The following is an entry in ClinVar:

NM_002161.6(IARS1):c.3260T>G (p.Ile1087Ser)

Gene: IARS1 (isoleucyl-tRNA synthetase 1; minus strand). Cytogenetic location: 9q22.31.
Variant type: single nucleotide variant.
Coding change: c.3260T>G on transcript NM_002161.6 (MANE Select); coding-DNA position 3260, T replaced by G.
Protein change: p.Ile1087Ser; replaces isoleucine 1087 with serine.
Molecular consequence: missense variant. On other transcripts: non-coding transcript variant (1).
Genome position (GRCh38, 1-based): chr9:92,240,879, A>C on the plus strand (T>G on the coding strand, the complement: IARS1 is on the minus strand). VCF-style: chr9-92240879-A-C. GRCh37 (hg19) VCF-style: chr9-95003161-A-C.
Other names: c.3185T>G, p.Ile1062Ser (NM_001374299.1, NM_001374300.1, NM_001378584.1); c.3176T>G, p.Ile1059Ser (NM_001374301.1); c.3323T>G, p.Ile1108Ser (NM_001378569.1); c.3281T>G, p.Ile1094Ser (NM_001378571.1); c.3260T>G, p.Ile1087Ser (NM_001378572.1, NM_001378573.1, NM_001378574.1 and 9 more transcripts); c.3164T>G, p.Ile1055Ser (NM_001378582.1); c.3137T>G, p.Ile1046Ser (NM_001378583.1); short protein forms I1055S, I1108S, I1046S, I1059S, I1062S, I1087S, I1094S.
Identifiers: ClinVar variation 4701301 (VCV004701301.1).

ClinVar aggregate classification (germline): Uncertain significance (1 of 4 stars; one submission).

gnomAD v4.1: 49 of 1,611,750 alleles (0.003%); highest among the groups gnomAD compares: Non-Finnish European, 0.0042%; no homozygotes.

Submission:

Labcorp Genetics (formerly Invitae), Labcorp
Classification: Uncertain significance. Last evaluated: 2026-01-14. Review status: criteria provided, single submitter. Criteria: Invitae Variant Classification Sherloc (09022015). Collection method: clinical testing. Allele origin: germline.
Comment: This sequence change replaces isoleucine, which is neutral and non-polar, with serine, which is neutral and polar, at codon 1087 of the IARS protein (p.Ile1087Ser). This variant is present in population databases (rs746481683, gnomAD 0.002%). This variant has not been reported in the literature in individuals affected with IARS-related conditions. An algorithm developed to predict the effect of missense changes on protein structure and function (PolyPhen-2) suggests that this variant is likely to be tolerated. In summary, the available evidence is currently insufficient to determine the role of this variant in disease. Therefore, it has been classified as a Variant of Uncertain Significance.